The following is an entry in ClinVar:

ClinVar aggregate classification (germline): Pathogenic (1 of 4 stars; one submission).

Conditions:
Polycystic kidney disease 4 (PKD4). Also called: PKD3; Autosomal Recessive Polycystic Kidney Disease – PKHD1; POLYCYSTIC KIDNEY AND HEPATIC DISEASE 1; POLYCYSTIC KIDNEY DISEASE, INFANTILE, TYPE I; POLYCYSTIC KIDNEY DISEASE 4 WITH OR WITHOUT POLYCYSTIC LIVER DISEASE. Identifiers: MedGen C4540575, MONDO:0033004, OMIM 263200.

Submission:

Myriad Genetics, Inc.
Classification: Pathogenic for Polycystic kidney disease 4. Last evaluated: 2025-08-11. Review status: criteria provided, single submitter. Criteria: Myriad Autosomal Dominant, Autosomal Recessive and X-Linked Classification Criteria (2023). Collection method: clinical testing. Allele origin: unknown.
Comment: NM_138694.3(PKHD1):c.302_303delAT(H101Rfs*25) is expected to be pathogenic in the context of autosomal recessive polycystic kidney disease, PKHD1-related. This variant is predicted to lead to an abnormal or absent protein product due to the creation of a premature termination codon in PKHD1, a gene where loss-of-function variants are known to be pathogenic. Please note: this variant was assessed in the context of healthy population screening.

NM_138694.4(PKHD1):c.302_303del (p.His101fs)

Gene: PKHD1 (PKHD1 ciliary IPT domain containing fibrocystin/polyductin; minus strand). Cytogenetic location: 6p12.2.
Variant type: Deletion.
Coding change: c.302_303del on transcript NM_138694.4 (MANE Select); coding-DNA positions 302 to 303, 2 bases deleted (AT; older notation c.302_303delAT).
Protein change: p.His101fs; shifts the reading frame from histidine 101.
Molecular consequence: frameshift variant.
Genome position (GRCh38, 1-based): chr6:52,079,987-52,079,988, AT deleted on the plus strand (AT on the coding strand, the reverse complement: PKHD1 is on the minus strand). VCF-style (leftmost placement, unchanged base first): chr6-52079986-CAT-C. GRCh37 (hg19) VCF-style: chr6-51944784-CAT-C.
Other names: c.302_303del, p.His101fs (NM_170724.3); short protein forms H101fs.
Identifiers: ClinVar variation 5014853 (VCV005014853.1).